The following is an entry in ClinVar:

ClinVar aggregate classification (germline): Uncertain significance (1 of 4 stars; one submission).

Conditions:
Tyrosinemia type I (TYRSN1). Also called: HEPATORENAL TYROSINEMIA; Tyrosinemia type 1; Fumarylacetoacetase deficiency; Deficiency of fumarylacetoacetase; FAH DEFICIENCY. Identifiers: Orphanet 882, MedGen C0268490, MONDO:0010161, OMIM 276700. Disease mechanism: loss of function.

Allele frequency attached by ClinVar (database versions not stated): gnomAD exomes below 0.00001.
gnomAD v4.1: 1 of 1,614,170 alleles (0.000062%); highest among the groups gnomAD compares: Admixed American, 0.0017%; no homozygotes.

Submission:

Labcorp Genetics (formerly Invitae), Labcorp
Classification: Uncertain significance for Tyrosinemia type I. Last evaluated: 2022-07-29. Review status: criteria provided, single submitter. Criteria: Invitae Variant Classification Sherloc (09022015). Collection method: clinical testing. Allele origin: germline.
Comment: This sequence change replaces valine, which is neutral and non-polar, with leucine, which is neutral and non-polar, at codon 166 of the FAH protein (p.Val166Leu). This variant is not present in population databases (gnomAD no frequency). This variant has not been reported in the literature in individuals affected with FAH-related conditions. Advanced modeling of protein sequence and biophysical properties (such as structural, functional, and spatial information, amino acid conservation, physicochemical variation, residue mobility, and thermodynamic stability) performed at Invitae indicates that this missense variant is not expected to disrupt FAH protein function. This variant disrupts the p.Val166 amino acid residue in FAH. Other variant(s) that disrupt this residue have been determined to be pathogenic (PMID: 23430822, 31300554). This suggests that this residue is clinically significant, and that variants that disrupt this residue are likely to be disease-causing. In summary, the available evidence is currently insufficient to determine the role of this variant in disease. Therefore, it has been classified as a Variant of Uncertain Significance.

Literature cited by the submitters: PubMed 23430822; PubMed 31300554.

NM_000137.4(FAH):c.496G>C (p.Val166Leu)

Gene: FAH (fumarylacetoacetate hydrolase; plus strand). Cytogenetic location: 15q25.1.
Variant type: single nucleotide variant.
Coding change: c.496G>C on transcript NM_000137.4 (MANE Select); coding-DNA position 496, G replaced by C.
Protein change: p.Val166Leu; replaces valine 166 with leucine.
Molecular consequence: missense variant.
Genome position (GRCh38, 1-based): chr15:80,168,092, G>C. VCF-style: chr15-80168092-G-C. GRCh37 (hg19) VCF-style: chr15-80460434-G-C.
Other names: c.496G>C, p.Val166Leu (NM_001374377.1, NM_001374380.1); short protein forms V166L.
Identifiers: ClinVar variation 2181899 (VCV002181899.4), dbSNP rs2505850195, ClinGen allele CA393619844.